The following is an entry in ClinVar:

NM_000038.6(APC):c.1816A>G (p.Ile606Val)

Gene: APC (APC regulator of Wnt signaling pathway; plus strand). Cytogenetic location: 5q22.2.
Variant type: single nucleotide variant.
Coding change: c.1816A>G on transcript NM_000038.6 (MANE Select); coding-DNA position 1816, A replaced by G.
Protein change: p.Ile606Val; replaces isoleucine 606 with valine.
Molecular consequence: missense variant.
Genome position (GRCh38, 1-based): chr5:112,835,023, A>G. VCF-style: chr5-112835023-A-G. GRCh37 (hg19) VCF-style: chr5-112170720-A-G.
Other names: c.1816A>G, p.Ile606Val (NM_001127510.3, NM_001354895.2); c.1762A>G, p.Ile588Val (NM_001127511.3); c.1870A>G, p.Ile624Val (NM_001354896.2); c.1846A>G, p.Ile616Val (NM_001354897.2); c.1741A>G, p.Ile581Val (NM_001354898.2); c.1732A>G, p.Ile578Val (NM_001354899.2); c.1693A>G, p.Ile565Val (NM_001354900.2); c.1639A>G, p.Ile547Val (NM_001354901.2); and 5 more; short protein forms I446V, I588V, I624V, I480V, I578V, I323V, I515V, I565V.
Identifiers: ClinVar variation 922610 (VCV000922610.6), dbSNP rs1460191563, ClinGen allele CA16025296.

ClinVar aggregate classification (germline): Uncertain significance. Review status: criteria provided, multiple submitters, no conflicts (2 of 4 stars). 3 submissions from 3 submitters: Uncertain significance (3). Last evaluated 2023-10-06.

Conditions:
Hereditary cancer-predisposing syndrome. Also called: Neoplastic Syndromes, Hereditary; Tumor predisposition; Hereditary Cancer Syndrome; Hereditary neoplastic syndrome. Identifiers: Orphanet 140162, MedGen C0027672, MeSH D009386, MONDO:0015356.
Familial adenomatous polyposis 1 (FAP1). Also called: FAMILIAL ADENOMATOUS POLYPOSIS 1, ATTENUATED; POLYPOSIS, ADENOMATOUS INTESTINAL. Identifiers: MedGen C2713442, MONDO:0021056, OMIM 175100. Disease mechanism: loss of function.

Allele frequency attached by ClinVar (database versions not stated): gnomAD exomes below 0.00001.
gnomAD v4.1: 1 of 1,614,152 alleles (0.000062%); highest among the groups gnomAD compares: African/African-American, 0.0013%; no homozygotes.

Submissions (3):

Baylor Genetics
Classification: Uncertain significance for Familial adenomatous polyposis 1. Last evaluated: 2023-10-06. Review status: criteria provided, single submitter. Criteria: ACMG Guidelines, 2015. Collection method: clinical testing. Allele origin: unknown.

Color Diagnostics, LLC DBA Color Health
Classification: Uncertain significance for Hereditary cancer-predisposing syndrome. Last evaluated: 2020-01-17. Review status: criteria provided, single submitter. Criteria: ACMG Guidelines, 2015. Collection method: clinical testing. Allele origin: germline.
Comment: This missense variant replaces isoleucine with valine at codon 606 of the APC protein. Computational prediction suggests that this variant may not impact protein structure and function (internally defined REVEL score threshold <= 0.5, PMID: 27666373). Splice site prediction tools suggest that this variant may create a splice donor site. However, this prediction has not been confirmed in published RNA studies. To our knowledge, functional studies have not been performed for this variant. This variant has not been reported in individuals affected with hereditary cancer in the literature. This variant has not been identified in the general population by the Genome Aggregation Database (gnomAD). The available evidence is insufficient to determine the role of this variant in disease conclusively. Therefore, this variant is classified as a Variant of Uncertain Significance.

Ambry Genetics
Classification: Uncertain significance for Hereditary cancer-predisposing syndrome. Last evaluated: 2017-11-03. Review status: criteria provided, single submitter. Criteria: Ambry Variant Classification Scheme 2023. Collection method: clinical testing. Allele origin: germline.
Comment: The p.I606V variant (also known as c.1816A>G), located in coding exon 14 of the APC gene, results from an A to G substitution at nucleotide position 1816. The isoleucine at codon 606 is replaced by valine, an amino acid with highly similar properties. This amino acid position is highly conserved in available vertebrate species. In addition, in silico predictors for this gene do not accurately predict pathogenicity. Since supporting evidence is limited at this time, the clinical significance of this alteration remains unclear.